The following is an entry in ClinVar:

ClinVar aggregate classification (germline): Uncertain significance (1 of 4 stars; one submission).

Allele frequency attached by ClinVar (database versions not stated): gnomAD 0.00001; TOPMed 0.00001; ExAC 0.00002; ESP Exome Variant Server 0.00008.

Submission:

Labcorp Genetics (formerly Invitae), Labcorp
Classification: Uncertain significance. Last evaluated: 2022-07-23. Review status: criteria provided, single submitter. Criteria: Invitae Variant Classification Sherloc (09022015). Collection method: clinical testing. Allele origin: germline.
Comment: In summary, the available evidence is currently insufficient to determine the role of this variant in disease. Therefore, it has been classified as a Variant of Uncertain Significance. Algorithms developed to predict the effect of missense changes on protein structure and function (SIFT, PolyPhen-2, Align-GVGD) all suggest that this variant is likely to be disruptive. This variant has not been reported in the literature in individuals affected with PTDSS1-related conditions. This variant is present in population databases (rs367964462, gnomAD 0.04%). This sequence change replaces arginine, which is basic and polar, with glutamine, which is neutral and polar, at codon 102 of the PTDSS1 protein (p.Arg102Gln).

NM_014754.3(PTDSS1):c.305G>A (p.Arg102Gln)

Gene: PTDSS1 (phosphatidylserine synthase 1; plus strand). Cytogenetic location: 8q22.1.
Variant type: single nucleotide variant.
Coding change: c.305G>A on transcript NM_014754.3 (MANE Select); coding-DNA position 305, G replaced by A.
Protein change: p.Arg102Gln; replaces arginine 102 with glutamine.
Molecular consequence: missense variant. On other transcripts: intron variant (1).
Genome position (GRCh38, 1-based): chr8:96,284,142, G>A. VCF-style: chr8-96284142-G-A. GRCh37 (hg19) VCF-style: chr8-97296370-G-A.
Other names: c.3+10752G>A (NM_001290225.2); short protein forms R102Q.
Identifiers: ClinVar variation 1924672 (VCV001924672.5), dbSNP rs367964462, ClinGen allele CA4816534.